The following is an entry in ClinVar:

ClinVar aggregate classification (germline): Uncertain significance (1 of 4 stars; one submission).

Allele frequency attached by ClinVar (database versions not stated): TOPMed below 0.00001.
gnomAD v4.1: 19 of 1,613,744 alleles (0.0012%); highest among the groups gnomAD compares: Non-Finnish European, 0.0016%; no homozygotes.

Submission:

CeGaT Center for Human Genetics Tuebingen
Classification: Uncertain significance. Last evaluated: 2024-02-01. Review status: criteria provided, single submitter. Criteria: CeGaT Center For Human Genetics Tuebingen Variant Classification Criteria Version 2. Collection method: clinical testing. Allele origin: germline. Affected: yes. Observed: 1 variant allele.
Comment: DST: PM2, PP3

NM_001374736.1(DST):c.5403G>C (p.Gln1801His)

Gene: DST (dystonin; minus strand). Cytogenetic location: 6p12.1.
Variant type: single nucleotide variant.
Coding change: c.5403G>C on transcript NM_001374736.1 (MANE Select); coding-DNA position 5403, G replaced by C.
Protein change: p.Gln1801His; replaces glutamine 1801 with histidine.
Molecular consequence: missense variant. On other transcripts: intron variant (6).
Genome position (GRCh38, 1-based): chr6:56,609,225, C>G on the plus strand (G>C on the coding strand, the complement: DST is on the minus strand). VCF-style: chr6-56609225-C-G. GRCh37 (hg19) VCF-style: chr6-56474023-C-G.
Other names: c.5403G>C, p.Gln1801His (NM_001374722.1); c.4770G>C, p.Gln1590His (NM_001374729.1); c.5430G>C, p.Gln1810His (NM_001374734.1); c.5184+1202G>C (NM_001144769.5); c.4770+1202G>C (NM_001144770.2); c.4650+1202G>C (NM_001374730.1, NM_001386100.1, NM_183380.4); c.3672+1202G>C (NM_015548.5); short protein forms Q1590H, Q1801H, Q1810H.
Identifiers: ClinVar variation 3067584 (VCV003067584.21), dbSNP rs2098523795, ClinGen allele CA364560493.